The following is an entry in ClinVar:

NM_001267550.2(TTN):c.45305G>C (p.Cys15102Ser)

Genes: TTN (titin; minus strand), LOC126806427 (BRD4-independent group 4 enhancer GRCh37_chr2:179485777-179486976; plus strand). Cytogenetic location: 2q31.2.
Variant type: single nucleotide variant.
Coding change: c.45305G>C on transcript NM_001267550.2 (MANE Select); coding-DNA position 45305, G replaced by C.
Protein change: p.Cys15102Ser; replaces cysteine 15102 with serine.
Molecular consequence: missense variant.
Genome position (GRCh38, 1-based): chr2:178,621,519, C>G on the plus strand (G>C on the coding strand, the complement: TTN is on the minus strand). VCF-style: chr2-178621519-C-G. GRCh37 (hg19) VCF-style: chr2-179486246-C-G.
Other names: c.40382G>C, p.Cys13461Ser (NM_001256850.1); c.18110G>C, p.Cys6037Ser (NM_003319.4); c.37601G>C, p.Cys12534Ser (NM_133378.4); c.18485G>C, p.Cys6162Ser (NM_133432.3); c.18686G>C, p.Cys6229Ser (NM_133437.4); short protein forms C6162S, C6229S, C15102S, C12534S, C6037S, C13461S.
Identifiers: ClinVar variation 1780585 (VCV001780585.2), dbSNP rs2471051639, ClinGen allele CA349635216.

ClinVar aggregate classification (germline): Uncertain significance (1 of 4 stars; one submission).

Conditions:
Cardiovascular phenotype. Identifiers: MedGen CN230736.

Submission:

Ambry Genetics
Classification: Uncertain significance for Cardiovascular phenotype. Last evaluated: 2019-11-08. Review status: criteria provided, single submitter. Criteria: Ambry Variant Classification Scheme 2023. Collection method: clinical testing. Allele origin: germline.
Comment: The p.C6037S variant (also known as c.18110G>C), located in coding exon 72 of the TTN gene, results from a G to C substitution at nucleotide position 18110. The cysteine at codon 6037 is replaced by serine, an amino acid with dissimilar properties. This amino acid position is highly conserved in available vertebrate species. In addition, this alteration is predicted to be deleterious by in silico analysis. Since supporting evidence is limited at this time, the clinical significance of this alteration remains unclear.